The following is an entry in ClinVar:

ClinVar aggregate classification (germline): Uncertain significance. Review status: criteria provided, single submitter (1 of 4 stars). 2 submissions from 2 submitters: Uncertain significance (1). 1 of the submissions does not count toward it. Last evaluated 2020-07-07.

Conditions:
TET3-related disorder. Also called: TET3-Related Disease; TET3-related condition.

Allele frequency attached by ClinVar (database versions not stated): gnomAD exomes below 0.00001.
gnomAD v4.1: 2 of 1,613,344 alleles (0.00012%); highest among the groups gnomAD compares: Admixed American, 0.0017%; no homozygotes.

Submissions (2):

AiLife Diagnostics
Classification: Uncertain significance. Last evaluated: 2020-07-07. Review status: criteria provided, single submitter. Criteria: ACMG Guidelines, 2015. Collection method: clinical testing. Allele origin: germline. Affected: yes. Observed: 1 variant allele.

PreventionGenetics, part of Exact Sciences
Classification: Uncertain significance for TET3-related condition. Last evaluated: 2024-07-28. Review status: no assertion criteria provided. Collection method: clinical testing. Allele origin: germline. Not counted in ClinVar's aggregate classification.
Comment: The TET3 c.914C>T variant is predicted to result in the amino acid substitution p.Pro305Leu. To our knowledge, this variant has not been reported in the literature or in a large population database, indicating it is rare. At this time, the clinical significance of this variant is uncertain due to the absence of conclusive functional and genetic evidence.

NM_001287491.2(TET3):c.914C>T (p.Pro305Leu)

Gene: TET3 (tet methylcytosine dioxygenase 3; plus strand). Cytogenetic location: 2p13.1.
Variant type: single nucleotide variant.
Coding change: c.914C>T on transcript NM_001287491.2 (MANE Select); coding-DNA position 914, C replaced by T.
Protein change: p.Pro305Leu; replaces proline 305 with leucine.
Molecular consequence: missense variant.
Genome position (GRCh38, 1-based): chr2:74,046,831, C>T. VCF-style: chr2-74046831-C-T. GRCh37 (hg19) VCF-style: chr2-74273958-C-T.
Other names: c.635C>T, p.Pro212Leu (NM_001366022.1); c.914C>T (NM_001287491.1); short protein forms P212L, P305L.
Identifiers: ClinVar variation 1678280 (VCV001678280.2), dbSNP rs2103679574, ClinGen allele CA347325317.